The following is an entry in ClinVar:

ClinVar aggregate classification (germline): Uncertain significance (1 of 4 stars; one submission).

Conditions:
Emery-Dreifuss muscular dystrophy 5, autosomal dominant (EDMD5). Also called: EMERY-DREIFUSS MUSCULAR DYSTROPHY 5. Identifiers: Orphanet 261, MedGen C2751805, MONDO:0013072, OMIM 612999.

Allele frequency attached by ClinVar (database versions not stated): gnomAD 0.00001; ExAC 0.00003; gnomAD exomes 0.00003 and 0.00006; TOPMed 0.00003; ESP Exome Variant Server 0.00008.
gnomAD v4.1: 47 of 1,613,918 alleles (0.0029%); highest among the groups gnomAD compares: Middle Eastern, 0.016%; no homozygotes.

Submission:

Labcorp Genetics (formerly Invitae), Labcorp
Classification: Uncertain significance for Emery-Dreifuss muscular dystrophy 5, autosomal dominant. Last evaluated: 2024-02-05. Review status: criteria provided, single submitter. Criteria: Invitae Variant Classification Sherloc (09022015). Collection method: clinical testing. Allele origin: germline.
Comment: This sequence change replaces arginine, which is basic and polar, with tryptophan, which is neutral and slightly polar, at codon 3969 of the SYNE2 protein (p.Arg3969Trp). This variant is present in population databases (rs141498263, gnomAD 0.02%). This variant has not been reported in the literature in individuals affected with SYNE2-related conditions. ClinVar contains an entry for this variant (Variation ID: 538322). An algorithm developed to predict the effect of missense changes on protein structure and function (PolyPhen-2) suggests that this variant is likely to be disruptive. In summary, the available evidence is currently insufficient to determine the role of this variant in disease. Therefore, it has been classified as a Variant of Uncertain Significance.

NM_182914.3(SYNE2):c.11905C>T (p.Arg3969Trp)

Gene: SYNE2 (spectrin repeat containing nuclear envelope protein 2; plus strand). Cytogenetic location: 14q23.2.
Variant type: single nucleotide variant.
Coding change: c.11905C>T on transcript NM_182914.3 (MANE Select); coding-DNA position 11905, C replaced by T.
Protein change: p.Arg3969Trp; replaces arginine 3969 with tryptophan.
Molecular consequence: missense variant.
Genome position (GRCh38, 1-based): chr14:64,090,977, C>T. VCF-style: chr14-64090977-C-T. GRCh37 (hg19) VCF-style: chr14-64557695-C-T.
Other names: c.11905C>T, p.Arg3969Trp (NM_015180.6); short protein forms R3969W.
Identifiers: ClinVar variation 538322 (VCV000538322.9), dbSNP rs141498263, ClinGen allele CA7221947.